The following is an entry in ClinVar:

NM_000282.4(PCCA):c.1598_1601del (p.Phe533fs)

Gene: PCCA (propionyl-CoA carboxylase subunit alpha; plus strand). Cytogenetic location: 13q32.3.
Variant type: Microsatellite.
Coding change: c.1598_1601del on transcript NM_000282.4 (MANE Select); coding-DNA positions 1598 to 1601, 4 bases deleted (TTGT; older notation c.1598_1601delTTGT).
Protein change: p.Phe533fs; shifts the reading frame from phenylalanine 533.
Molecular consequence: frameshift variant. On other transcripts: non-coding transcript variant (5).
Genome position (GRCh38, 1-based): chr13:100,340,214-100,340,217, TTGT deleted; deleting any 4 consecutive bases within chr13:100,340,210-100,340,217 gives the same sequence; the c. name uses the placement nearest the transcript's 3' end. VCF-style (leftmost placement, unchanged base first): chr13-100340209-ATTGT-A. GRCh37 (hg19) VCF-style: chr13-100992463-ATTGT-A.
Other names: c.1598_1601del, p.Phe533fs (NM_001178004.2, NM_001352605.2, NM_001352609.2); c.1454_1457del, p.Phe485fs (NM_001352606.2); c.1520_1523del, p.Phe507fs (NM_001352607.2, NM_001127692.3); c.1376_1379del, p.Phe459fs (NM_001352608.2); c.653_656del, p.Phe218fs (NM_001352610.2, NM_001352611.2); c.509_512del, p.Phe170fs (NM_001352612.2); short protein forms F170fs, F218fs, F459fs, F485fs, F507fs, F533fs.
Identifiers: ClinVar variation 1070049 (VCV001070049.11), dbSNP rs1344574242, ClinGen allele CA484745182.

ClinVar aggregate classification (germline): Pathogenic. Review status: criteria provided, multiple submitters, no conflicts (2 of 4 stars). 3 submissions from 3 submitters: Pathogenic (3). Last evaluated 2024-10-04.

Conditions:
Propionic acidemia (PROP). Also called: KETOTIC HYPERGLYCINEMIA; GLYCINEMIA, KETOTIC; HYPERGLYCINEMIA WITH KETOACIDOSIS AND LEUKOPENIA. Identifiers: Orphanet 35, MedGen C0268579, MONDO:0011628, OMIM 606054, HP:0003571.

Submissions (3):

Dubai Health Genomic Medicine Center, Dubai Health
Classification: Pathogenic for Propionic acidemia. Last evaluated: 2024-10-04. Review status: criteria provided, single submitter. Criteria: ACMG Guidelines, 2015. Collection method: research. Allele origin: germline. Affected: yes.
Comment: PVS1,PM2,PM3

Fulgent Genetics
Classification: Pathogenic for Propionic acidemia. Last evaluated: 2024-02-05. Review status: criteria provided, single submitter. Criteria: ACMG Guidelines, 2015. Collection method: clinical testing. Allele origin: germline.

Labcorp Genetics (formerly Invitae), Labcorp
Classification: Pathogenic for Propionic acidemia. Last evaluated: 2022-06-03. Review status: criteria provided, single submitter. Criteria: Invitae Variant Classification Sherloc (09022015). Collection method: clinical testing. Allele origin: germline.
Comment: This premature translational stop signal has been observed in individual(s) with propionic acidemia (PMID: 24516753). This variant is present in population databases (no rsID available, gnomAD 0.003%). This sequence change creates a premature translational stop signal (p.Phe533Trpfs*5) in the PCCA gene. It is expected to result in an absent or disrupted protein product. Loss-of-function variants in PCCA are known to be pathogenic (PMID: 15464417). For these reasons, this variant has been classified as Pathogenic.

Literature cited by the submitters: PubMed 24516753 (cited by Labcorp Genetics (formerly Invitae), Labcorp); PubMed 15464417 (cited by Labcorp Genetics (formerly Invitae), Labcorp).